The following is an entry in ClinVar:

NM_001429.4(EP300):c.6751G>A (p.Ala2251Thr)

Gene: EP300 (EP300 lysine acetyltransferase; plus strand). Cytogenetic location: 22q13.2.
Variant type: single nucleotide variant.
Coding change: c.6751G>A on transcript NM_001429.4 (MANE Select); coding-DNA position 6751, G replaced by A.
Protein change: p.Ala2251Thr; replaces alanine 2251 with threonine.
Molecular consequence: missense variant.
Genome position (GRCh38, 1-based): chr22:41,178,462, G>A. VCF-style: chr22-41178462-G-A. GRCh37 (hg19) VCF-style: chr22-41574466-G-A.
Other names: c.6673G>A, p.Ala2225Thr (NM_001362843.2); short protein forms A2251T, A2225T.
Identifiers: ClinVar variation 3674760 (VCV003674760.2).

ClinVar aggregate classification (germline): Uncertain significance (1 of 4 stars; one submission).

Conditions:
Rubinstein-Taybi syndrome due to EP300 haploinsufficiency. Also called: EP300-Related Rubinstein-Taybi Syndrome; RUBINSTEIN-TAYBI SYNDROME 2. Identifiers: Orphanet 353284, Orphanet 783, MedGen C3150941, MONDO:0013364, OMIM 613684.

gnomAD v4.1: 1 of 1,614,102 alleles (0.000062%); highest among the groups gnomAD compares: Non-Finnish European, 0.000085%; no homozygotes.

Submission:

Labcorp Genetics (formerly Invitae), Labcorp
Classification: Uncertain significance for Rubinstein-Taybi syndrome due to EP300 haploinsufficiency. Last evaluated: 2024-10-21. Review status: criteria provided, single submitter. Criteria: Invitae Variant Classification Sherloc (09022015). Collection method: clinical testing. Allele origin: germline.
Comment: This sequence change replaces alanine, which is neutral and non-polar, with threonine, which is neutral and polar, at codon 2251 of the EP300 protein (p.Ala2251Thr). This variant is not present in population databases (gnomAD no frequency). This variant has not been reported in the literature in individuals affected with EP300-related conditions. Invitae Evidence Modeling of protein sequence and biophysical properties (such as structural, functional, and spatial information, amino acid conservation, physicochemical variation, residue mobility, and thermodynamic stability) indicates that this missense variant is not expected to disrupt EP300 protein function with a negative predictive value of 95%. In summary, the available evidence is currently insufficient to determine the role of this variant in disease. Therefore, it has been classified as a Variant of Uncertain Significance.